The following is an entry in ClinVar:

ClinVar aggregate classification (germline): Uncertain significance (1 of 4 stars; one submission).

Conditions:
Hereditary cancer-predisposing syndrome. Also called: Hereditary Cancer Syndrome; Neoplastic Syndromes, Hereditary; Tumor predisposition; Hereditary neoplastic syndrome. Identifiers: Orphanet 140162, MedGen C0027672, MeSH D009386, MONDO:0015356.

Submission:

Ambry Genetics
Classification: Uncertain significance for Hereditary cancer-predisposing syndrome. Last evaluated: 2022-09-24. Review status: criteria provided, single submitter. Criteria: Ambry Variant Classification Scheme 2023. Collection method: clinical testing. Allele origin: germline.
Comment: The p.R179S variant (also known as c.535C>A), located in coding exon 1 of the ALK gene, results from a C to A substitution at nucleotide position 535. The arginine at codon 179 is replaced by serine, an amino acid with dissimilar properties. This amino acid position is conserved. In addition, this alteration is predicted to be tolerated by in silico analysis. Since supporting evidence is limited at this time, the clinical significance of this alteration remains unclear.

NM_004304.5(ALK):c.535C>A (p.Arg179Ser)

Gene: ALK (ALK receptor tyrosine kinase; minus strand). Cytogenetic location: 2p23.1.
Variant type: single nucleotide variant.
Coding change: c.535C>A on transcript NM_004304.5 (MANE Select); coding-DNA position 535, C replaced by A.
Protein change: p.Arg179Ser; replaces arginine 179 with serine.
Molecular consequence: missense variant.
Genome position (GRCh38, 1-based): chr2:29,920,125, G>T on the plus strand (C>A on the coding strand, the complement: ALK is on the minus strand). VCF-style: chr2-29920125-G-T. GRCh37 (hg19) VCF-style: chr2-30142991-G-T.
Other names: short protein forms R179S.
Identifiers: ClinVar variation 1747054 (VCV001747054.2), dbSNP rs62129830, ClinGen allele CA346589847.